The following is an entry in ClinVar:

ClinVar aggregate classification (germline): Likely benign (0 of 4 stars; one submission).

Conditions:
PEX16-related disorder. Also called: PEX16-related condition.

gnomAD v4.1: 25 of 1,612,436 alleles (0.0016%); highest among the groups gnomAD compares: African/African-American, 0.011%; no homozygotes.

Submission:

PreventionGenetics, part of Exact Sciences
Classification: Likely benign for PEX16-related condition. Last evaluated: 2024-05-22. Review status: no assertion criteria provided. Collection method: clinical testing. Allele origin: germline.
Comment: This variant is classified as likely benign based on ACMG/AMP sequence variant interpretation guidelines (Richards et al. 2015 PMID: 25741868, with internal and published modifications).

NM_004813.4(PEX16):c.*71C>T

Gene: PEX16 (peroxisomal biogenesis factor 16; minus strand). Cytogenetic location: 11p11.2.
Variant type: single nucleotide variant.
Coding change: c.*71C>T on transcript NM_004813.4 (MANE Select); 71 bases downstream of the stop codon, C replaced by T.
Molecular consequence: 3 prime UTR variant. On other transcripts: intron variant (1).
Genome position (GRCh38, 1-based): chr11:45,910,183, G>A on the plus strand (C>T on the coding strand, the complement: PEX16 is on the minus strand). VCF-style: chr11-45910183-G-A. GRCh37 (hg19) VCF-style: chr11-45931734-G-A.
Other names: c.953-6C>T (NM_057174.3).
Identifiers: ClinVar variation 3358757 (VCV003358757.1).
Genomic context (GRCh38, chr11:45,910,183, plus strand): 5'-CAGGGCTGTGTGTGGGGCCTGGCCGGTAGGCACGGAGAGGCCGCACGCTGGGACGCTGCC[G>A]GAGTCAGTTTTATTAGGGAAGAGGGGCTCCCTGCCCCACCCCTCCCCACACCCTCCTTCC-3'